The following is an entry in ClinVar:

NM_006214.4(PHYH):c.230A>C (p.Asp77Ala)

Gene: PHYH (phytanoyl-CoA 2-hydroxylase; minus strand). Cytogenetic location: 10p13.
Variant type: single nucleotide variant.
Coding change: c.230A>C on transcript NM_006214.4 (MANE Select); coding-DNA position 230, A replaced by C.
Protein change: p.Asp77Ala; replaces aspartic acid 77 with alanine.
Molecular consequence: missense variant. On other transcripts: 5 prime UTR variant (3).
Genome position (GRCh38, 1-based): chr10:13,295,511, T>G on the plus strand (A>C on the coding strand, the complement: PHYH is on the minus strand). VCF-style: chr10-13295511-T-G. GRCh37 (hg19) VCF-style: chr10-13337511-T-G.
Other names: c.-71A>C (NM_001037537.2, NM_001323080.2, NM_001323084.2); c.230A>C, p.Asp77Ala (NM_001323082.2, NM_001323083.2); short protein forms D77A.
Identifiers: ClinVar variation 2145956 (VCV002145956.4), dbSNP rs2538658696, ClinGen allele CA376037520.

ClinVar aggregate classification (germline): Uncertain significance (1 of 4 stars; one submission).

Allele frequency attached by ClinVar (database versions not stated): gnomAD exomes below 0.00001.

Submission:

Labcorp Genetics (formerly Invitae), Labcorp
Classification: Uncertain significance. Last evaluated: 2022-06-14. Review status: criteria provided, single submitter. Criteria: Invitae Variant Classification Sherloc (09022015). Collection method: clinical testing. Allele origin: germline.
Comment: Algorithms developed to predict the effect of missense changes on protein structure and function are either unavailable or do not agree on the potential impact of this missense change (SIFT: "Deleterious"; PolyPhen-2: "Possibly Damaging"; Align-GVGD: "Class C0"). In summary, the available evidence is currently insufficient to determine the role of this variant in disease. Therefore, it has been classified as a Variant of Uncertain Significance. This variant has not been reported in the literature in individuals affected with PHYH-related conditions. This sequence change replaces aspartic acid, which is acidic and polar, with alanine, which is neutral and non-polar, at codon 77 of the PHYH protein (p.Asp77Ala). This variant is not present in population databases (gnomAD no frequency).